The following is an entry in ClinVar:

ClinVar aggregate classification (germline): Uncertain significance (1 of 4 stars; one submission).

Conditions:
Primary ciliary dyskinesia 7. Also called: CILIARY DYSKINESIA, PRIMARY, 7, WITH OR WITHOUT SITUS INVERSUS. Identifiers: Orphanet 244, MedGen C2678473, MONDO:0012748, OMIM 611884.

gnomAD v4.1: 1 of 1,611,118 alleles (0.000062%); highest among the groups gnomAD compares: Non-Finnish European, 0.000085%; no homozygotes.

Submission:

Broad Center for Mendelian Genomics, Broad Institute of MIT and Harvard
Classification: Uncertain significance for Primary ciliary dyskinesia 7. Last evaluated: 2025-02-19. Review status: criteria provided, single submitter. Criteria: ACMG Guidelines, 2015. Collection method: curation. Allele origin: germline. Inheritance: Autosomal recessive inheritance.
Comment: The p.Tyr2786Asn variant in DNAH11 has been reported, in the compound heterozygous state, in 1 individual with primary ciliary dyskinesia (Variation ID: 845439; PMID: 33715250), and has been identified in 0.00008% (1/1178722) of European (non-Finnish) chromosomes by the Genome Aggregation Database (gnomAD; dbSNP ID: rs1786075667). Although this variant has been seen in the general population in a heterozygous state, its frequency is low enough to be consistent with a recessive carrier frequency. Computational prediction tools and conservation analyses do not provide strong support for or against an impact to the protein. In summary, the clinical significance of the p.Tyr2786Asn variant is uncertain. ACMG/AMP Criteria applied: PM2_supporting, PM3_supporting (Richards 2015).

NM_001277115.2(DNAH11):c.8356T>A (p.Tyr2786Asn)

Gene: DNAH11 (dynein axonemal heavy chain 11; plus strand). Cytogenetic location: 7p15.3.
Variant type: single nucleotide variant.
Coding change: c.8356T>A on transcript NM_001277115.2 (MANE Select); coding-DNA position 8356, T replaced by A.
Protein change: p.Tyr2786Asn; replaces tyrosine 2786 with asparagine.
Molecular consequence: missense variant.
Genome position (GRCh38, 1-based): chr7:21,744,909, T>A. VCF-style: chr7-21744909-T-A. GRCh37 (hg19) VCF-style: chr7-21784527-T-A.
Other names: NM_001277115.2:c.8356T>A; short protein forms Y2786N.
Identifiers: ClinVar variation 3776937 (VCV003776937.1).